The following is an entry in ClinVar:

ClinVar aggregate classification (germline): Uncertain significance (1 of 4 stars; one submission).

gnomAD v4.1: 3 of 1,611,354 alleles (0.00019%); highest among the groups gnomAD compares: East Asian, 0.0067%; no homozygotes.

Submission:

Ambry Genetics
Classification: Uncertain significance. Last evaluated: 2024-09-12. Review status: criteria provided, single submitter. Criteria: Ambry Variant Classification Scheme 2023. Collection method: clinical testing. Allele origin: germline.
Comment: The p.V557I variant (also known as c.1669G>A), located in coding exon 11 of the RINT1 gene, results from a G to A substitution at nucleotide position 1669. The valine at codon 557 is replaced by isoleucine, an amino acid with highly similar properties. This amino acid position is conserved. In addition, this alteration is predicted to be tolerated by in silico analysis. Based on the available evidence, the clinical significance of this variant remains unclear.

NM_021930.6(RINT1):c.1669G>A (p.Val557Ile)

Gene: RINT1 (RAD50 interactor 1; plus strand). Cytogenetic location: 7q22.3.
Variant type: single nucleotide variant.
Coding change: c.1669G>A on transcript NM_021930.6 (MANE Select); coding-DNA position 1669, G replaced by A.
Protein change: p.Val557Ile; replaces valine 557 with isoleucine.
Molecular consequence: missense variant.
Genome position (GRCh38, 1-based): chr7:105,555,225, G>A. VCF-style: chr7-105555225-G-A. GRCh37 (hg19) VCF-style: chr7-105195672-G-A.
Other names: c.1435G>A, p.Val479Ile (NM_001346599.2); c.646G>A, p.Val216Ile (NM_001346600.2, NM_001346603.2); c.745G>A, p.Val249Ile (NM_001346601.2); short protein forms V216I, V479I, V557I, V249I.
Identifiers: ClinVar variation 3433542 (VCV003433542.1).